The following is an entry in ClinVar:

ClinVar aggregate classification (germline): Uncertain significance (1 of 4 stars; one submission).

Allele frequency attached by ClinVar (database versions not stated): gnomAD exomes 0.00001 and 0.00002.

Submission:

Labcorp Genetics (formerly Invitae), Labcorp
Classification: Uncertain significance. Last evaluated: 2024-10-22. Review status: criteria provided, single submitter. Criteria: Invitae Variant Classification Sherloc (09022015). Collection method: clinical testing. Allele origin: germline.
Comment: This sequence change replaces aspartic acid, which is acidic and polar, with asparagine, which is neutral and polar, at codon 4801 of the PCLO protein (p.Asp4801Asn). This variant is present in population databases (no rsID available, gnomAD 0.007%). This variant has not been reported in the literature in individuals affected with PCLO-related conditions. ClinVar contains an entry for this variant (Variation ID: 1427448). Experimental studies and prediction algorithms are not available or were not evaluated, and the functional significance of this variant is currently unknown. In summary, the available evidence is currently insufficient to determine the role of this variant in disease. Therefore, it has been classified as a Variant of Uncertain Significance.

NM_033026.6(PCLO):c.14401G>A (p.Asp4801Asn)

Gene: PCLO (piccolo presynaptic cytomatrix protein; minus strand). Cytogenetic location: 7q21.11.
Variant type: single nucleotide variant.
Coding change: c.14401G>A on transcript NM_033026.6 (MANE Select); coding-DNA position 14401, G replaced by A.
Protein change: p.Asp4801Asn; replaces aspartic acid 4801 with asparagine.
Molecular consequence: missense variant.
Genome position (GRCh38, 1-based): chr7:82,826,603, C>T on the plus strand (G>A on the coding strand, the complement: PCLO is on the minus strand). VCF-style: chr7-82826603-C-T. GRCh37 (hg19) VCF-style: chr7-82455919-C-T.
Other names: c.14401G>A, p.Asp4801Asn (NM_014510.3); short protein forms D4801N.
Identifiers: ClinVar variation 1427448 (VCV001427448.4), dbSNP rs1178113351, ClinGen allele CA368020619.
Genomic context (GRCh38, chr7:82,826,603, plus strand): 5'-TGGTTTACCATAGCAGCAAATAAGGGAAAGGAAGTCAGAGGCTTACCTCCCCAAGGAAGT[C>T]GTTGGATGAAAATCTATCATAATCCCAAACTGTCACCTCCAGTGTTTTCTTCTTGAGCTA-3'
Protein context (NP_149015.2, residues 4791-4811): VWDYDRFSSN[Asp4801Asn]FLGEVLIDLS